The following is an entry in ClinVar:

Conditions:
Breast-ovarian cancer, familial, susceptibility to, 1 (BROVCA1). Also called: BRCA1 Hereditary Breast and Ovarian Cancer; OVARIAN CANCER, SUSCEPTIBILITY TO. Identifiers: Orphanet 145, MedGen C2676676, MONDO:0011450, OMIM 604370. Disease mechanism: loss of function.

Submission:

Brotman Baty Institute, University of Washington
No classification provided (evidence only). Condition: Breast-ovarian cancer, familial 1. Review status: no classification provided. Collection method: in vitro. Allele origin: not applicable. Functional consequence: functionally_abnormal.
ClinVar note: "not provided" was previously submitted as the classification for the variant. However, the classification appeared to be based only on an observation of functional data so it was converted to no classification on 2025-07-30.

NM_007294.4(BRCA1):c.5452G>C (p.Asp1818His)

Gene: BRCA1 (BRCA1 DNA repair associated; minus strand). Cytogenetic location: 17q21.31.
Variant type: single nucleotide variant.
Coding change: c.5452G>C on transcript NM_007294.4 (MANE Select); coding-DNA position 5452, G replaced by C.
Protein change: p.Asp1818His; replaces aspartic acid 1818 with histidine.
Molecular consequence: missense variant. On other transcripts: non-coding transcript variant (1).
Genome position (GRCh38, 1-based): chr17:43,047,658, C>G on the plus strand (G>C on the coding strand, the complement: BRCA1 is on the minus strand). VCF-style: chr17-43047658-C-G. GRCh37 (hg19) VCF-style: chr17-41199675-C-G.
Other names: c.5239G>C, p.Asp1747His (NM_001407571.1, NM_001407907.1, NM_001407908.1 and 12 more transcripts); c.5518G>C, p.Asp1840His (NM_001407581.1, NM_001407582.1); c.5515G>C, p.Asp1839His (NM_001407583.1, NM_001407585.1, NM_001407587.1 and 1 more transcripts); c.5512G>C, p.Asp1838His (NM_001407590.1, NM_001407591.1); c.5452G>C, p.Asp1818His (NM_001407593.1, NM_001407594.1, NM_001407596.1 and 5 more transcripts); c.5449G>C, p.Asp1817His (NM_001407614.1, NM_001407615.1, NM_001407616.1 and 14 more transcripts); c.5446G>C, p.Asp1816His (NM_001407633.1, NM_001407634.1, NM_001407635.1 and 13 more transcripts); c.5374G>C, p.Asp1792His (NM_001407655.1, NM_001407652.1, NM_001407653.1 and 1 more transcripts); and 83 more; short protein forms D714H, G689A, D1771H, D1818H, D1839H, D1522H, D1691H, D1729H.
Identifiers: ClinVar variation 865533 (VCV000865533.3), dbSNP rs2050981068, ClinGen allele CA10590485.